The following is an entry in ClinVar:

NM_006279.5(ST3GAL3):c.421T>C (p.Ser141Pro)

Gene: ST3GAL3 (ST3 beta-galactoside alpha-2,3-sialyltransferase 3; plus strand). Cytogenetic location: 1p34.1.
Variant type: single nucleotide variant.
Coding change: c.421T>C on transcript NM_006279.5 (MANE Select); coding-DNA position 421, T replaced by C.
Protein change: p.Ser141Pro; replaces serine 141 with proline.
Molecular consequence: missense variant. On other transcripts: non-coding transcript variant (7), intron variant (4).
Genome position (GRCh38, 1-based): chr1:43,898,258, T>C. VCF-style: chr1-43898258-T-C. GRCh37 (hg19) VCF-style: chr1-44363930-T-C.
Other names: c.421T>C, p.Ser141Pro (NM_001270459.2, NM_001350620.2, NM_174966.4); c.328T>C, p.Ser110Pro (NM_001270460.2); c.373T>C, p.Ser125Pro (NM_001270461.3, NM_001270464.3, NM_001410781.1 and 1 more transcripts); c.280T>C, p.Ser94Pro (NM_001270462.3); c.418T>C, p.Ser140Pro (NM_001270463.3, NM_001270465.3); c.466T>C, p.Ser156Pro (NM_001350619.2, NM_174964.4); c.142T>C, p.Ser48Pro (NM_001350621.2); c.583T>C, p.Ser195Pro (NM_001363573.2, NM_174968.5); and 6 more; short protein forms S110P, S195P, S210P, S156P, S48P, S94P, S140P, S141P.
Identifiers: ClinVar variation 3449994 (VCV003449994.2).

ClinVar aggregate classification (germline): Uncertain significance. Review status: criteria provided, multiple submitters, no conflicts (2 of 4 stars). 2 submissions from 2 submitters: Uncertain significance (2). Last evaluated 2024-10-29.

Conditions:
Inborn genetic diseases. Identifiers: MedGen C0950123, MeSH D030342.

gnomAD v4.1: 26 of 1,613,870 alleles (0.0016%); highest among the groups gnomAD compares: Non-Finnish European, 0.0022%; no homozygotes.

Submissions (2):

Ambry Genetics
Classification: Uncertain significance for Inborn genetic diseases. Last evaluated: 2024-10-29. Review status: criteria provided, single submitter. Criteria: Ambry Variant Classification Scheme 2023. Collection method: clinical testing. Allele origin: germline.

GeneDx
Classification: Uncertain significance. Last evaluated: 2024-10-21. Review status: criteria provided, single submitter. Criteria: GeneDx Variant Classification Process June 2021. Collection method: clinical testing. Allele origin: germline. Affected: yes.
Comment: Not observed at significant frequency in large population cohorts (gnomAD); In silico analysis supports that this missense variant has a deleterious effect on protein structure/function; Has not been previously published as pathogenic or benign to our knowledge